The following is an entry in ClinVar:

ClinVar aggregate classification (germline): Uncertain significance (1 of 4 stars; one submission).

Conditions:
Spastic paraplegia. Identifiers: MedGen C0037772, HP:0001258.

Allele frequency attached by ClinVar (database versions not stated): gnomAD 0.00001; gnomAD exomes 0.00002 and 0.00004; ExAC 0.00003.
gnomAD v4.1: 26 of 1,614,120 alleles (0.0016%); highest among the groups gnomAD compares: South Asian, 0.027%; 1 homozygote.

Submission:

Labcorp Genetics (formerly Invitae), Labcorp
Classification: Uncertain significance for Spastic paraplegia. Last evaluated: 2021-10-14. Review status: criteria provided, single submitter. Criteria: Invitae Variant Classification Sherloc (09022015). Collection method: clinical testing. Allele origin: germline.
Comment: This sequence change affects codon 1145 of the ZFYVE26 mRNA. It is a 'silent' change, meaning that it does not change the encoded amino acid sequence of the ZFYVE26 protein. This variant is present in population databases (rs756973332, ExAC 0.02%). This variant has not been reported in the literature in individuals affected with ZFYVE26-related conditions. Algorithms developed to predict the effect of sequence changes on RNA splicing suggest that this variant may create or strengthen a splice site. In summary, the available evidence is currently insufficient to determine the role of this variant in disease. Therefore, it has been classified as a Variant of Uncertain Significance.

NM_015346.4(ZFYVE26):c.3435C>T (p.Gly1145=)

Gene: ZFYVE26 (zinc finger FYVE-type containing 26; minus strand). Cytogenetic location: 14q24.1.
Variant type: single nucleotide variant.
Coding change: c.3435C>T on transcript NM_015346.4 (MANE Select); coding-DNA position 3435, C replaced by T.
Protein change: p.Gly1145=; no amino-acid change (glycine 1145 retained).
Molecular consequence: synonymous variant.
Genome position (GRCh38, 1-based): chr14:67,785,147, G>A on the plus strand (C>T on the coding strand, the complement: ZFYVE26 is on the minus strand). VCF-style: chr14-67785147-G-A. GRCh37 (hg19) VCF-style: chr14-68251864-G-A.
Identifiers: ClinVar variation 1414133 (VCV001414133.5), dbSNP rs756973332, ClinGen allele CA7239992.